The following is an entry in ClinVar:

ClinVar aggregate classification (germline): Uncertain significance (1 of 4 stars; one submission).

Submission:

Mayo Clinic Laboratories, Mayo Clinic
Classification: Uncertain significance. Last evaluated: 2025-10-19. Review status: criteria provided, single submitter. Criteria: ACMG Guidelines, 2015. Collection method: clinical testing. Allele origin: germline. Observed: 1 variant allele.
Comment: PM2_supporting

NM_001098816.3(TENM4):c.1802G>C (p.Cys601Ser)

Gene: TENM4 (teneurin transmembrane protein 4; minus strand). Cytogenetic location: 11q14.1.
Variant type: single nucleotide variant.
Coding change: c.1802G>C on transcript NM_001098816.3 (MANE Select); coding-DNA position 1802, G replaced by C.
Protein change: p.Cys601Ser; replaces cysteine 601 with serine.
Molecular consequence: missense variant.
Genome position (GRCh38, 1-based): chr11:78,812,298, C>G on the plus strand (G>C on the coding strand, the complement: TENM4 is on the minus strand). VCF-style: chr11-78812298-C-G. GRCh37 (hg19) VCF-style: chr11-78523343-C-G.
Other names: p.Cys601Ser; short protein forms C601S.
Identifiers: ClinVar variation 4541659 (VCV004541659.1).